The following is an entry in ClinVar:

NM_000268.4(NF2):c.1447-147_1447-8del

Gene: NF2 (NF2, moesin-ezrin-radixin like (MERLIN) tumor suppressor; plus strand). Cytogenetic location: 22q12.2.
Variant type: Deletion.
Coding change: c.1447-147_1447-8del on transcript NM_000268.4 (MANE Select); 147 bases into the intron before coding-DNA position 1447 through 8 bases into the intron before coding-DNA position 1447, 140 bases deleted.
Molecular consequence: intron variant.
Genome position (GRCh38, 1-based): chr22:29,678,049-29,678,188, 140 bases deleted. GRCh37 (hg19): chr22:30,074,038-30,074,177.
Other names: c.1447-147_1447-8del140 (NM_000268.3); c.1447-147_1447-8del (NM_016418.5, NM_181832.3, NM_001407060.1 and 2 more transcripts); c.1333-147_1333-8del (NM_001407056.1, NM_001407053.1); c.1216-147_1216-8del (NM_001407067.1); c.913-147_913-8del (NM_001407065.1); c.1312-147_1312-8del (NM_001407059.1, NM_001407057.1); c.448-16703_448-16564del (NM_181833.3); c.1324-147_1324-8del (NM_001407058.1, NM_181829.3, NM_001407054.1); and 3 more.
Identifiers: ClinVar variation 2707775 (VCV002707775.5), dbSNP rs2518709539, ClinGen allele CA2697552680.

ClinVar aggregate classification (germline): Likely pathogenic. Review status: criteria provided, multiple submitters, no conflicts (2 of 4 stars). 2 submissions from 2 submitters: Likely pathogenic (2). Last evaluated 2024-04-18.

Conditions:
Hereditary cancer-predisposing syndrome. Also called: Neoplastic Syndromes, Hereditary; Tumor predisposition; Hereditary Cancer Syndrome; Hereditary neoplastic syndrome. Identifiers: Orphanet 140162, MedGen C0027672, MeSH D009386, MONDO:0015356.
Neurofibromatosis, type 2 (SWNV). Also called: BILATERAL ACOUSTIC NEUROFIBROMATOSIS; SCHWANNOMATOSIS, VESTIBULAR; NF2-Related Schwannomatosis. Identifiers: Orphanet 637, MedGen C0027832, MONDO:0007039, OMIM 101000. Disease mechanism: loss of function.

Submissions (2):

Ambry Genetics
Classification: Likely pathogenic for Hereditary cancer-predisposing syndrome. Last evaluated: 2024-04-18. Review status: criteria provided, single submitter. Criteria: Ambry Variant Classification Scheme 2023. Collection method: clinical testing. Allele origin: germline.
Comment: The c.1447-147_1447-8del140 intronic variant, located in intron 13 of the NF2 gene, results from a deletion of 140 nucleotides within intron 13 of the NF2 gene. The deleted region is well conserved in available vertebrate species. In silico splice site analysis predicts that this alteration will result in the creation or strengthening of a novel splice acceptor site; however, direct evidence is insufficient at this time (Ambry internal data). Based on the majority of available evidence to date, this variant is likely to be pathogenic.

Labcorp Genetics (formerly Invitae), Labcorp
Classification: Likely pathogenic for Neurofibromatosis, type 2. Last evaluated: 2024-02-20. Review status: criteria provided, single submitter. Criteria: Invitae Variant Classification Sherloc (09022015). Collection method: clinical testing. Allele origin: germline.
Comment: This sequence change falls in intron 13 of the NF2 gene. It does not directly change the encoded amino acid sequence of the NF2 protein. This variant is not present in population databases (gnomAD no frequency). This variant has been observed in individual(s) with clinical features of NF2-related schwannomatosis (Invitae). In at least one individual the variant was observed to be de novo. Experimental studies and prediction algorithms are not available or were not evaluated, and the effect of this variant on mRNA splicing is currently unknown. In summary, the currently available evidence indicates that the variant is pathogenic, but additional data are needed to prove that conclusively. Therefore, this variant has been classified as Likely Pathogenic.